The following is an entry in ClinVar:

ClinVar aggregate classification (germline): Pathogenic (1 of 4 stars; one submission).

Conditions:
Bardet-Biedl syndrome 1 (BBS1). Identifiers: MedGen C2936862, MONDO:0008854, OMIM 209900. Disease mechanism: loss of function.

Submission:

Myriad Genetics, Inc.
Classification: Pathogenic for Bardet-Biedl syndrome 1. Last evaluated: 2023-10-11. Review status: criteria provided, single submitter. Criteria: Myriad Autosomal Dominant, Autosomal Recessive and X-Linked Classification Criteria (2023). Collection method: clinical testing. Allele origin: unknown.
Comment: NM_024649.4(BBS1):c.551delC(A184Dfs*3) is expected to be pathogenic in the context of Bardet-Biedl syndrome, BBS1-related. This variant is predicted to lead to an abnormal or absent protein product due to the creation of a premature termination codon in BBS1, a gene where loss-of-function variants are known to be pathogenic. Please note: this variant was assessed in the context of healthy population screening.

NM_024649.5(BBS1):c.551del (p.Ala184fs)

Gene: BBS1 (Bardet-Biedl syndrome 1; plus strand). Cytogenetic location: 11q13.2.
Variant type: Deletion.
Coding change: c.551del on transcript NM_024649.5 (MANE Select); coding-DNA position 551, one base deleted (C; older notation c.551delC).
Protein change: p.Ala184fs; shifts the reading frame from alanine 184.
Molecular consequence: frameshift variant.
Genome position (GRCh38, 1-based): chr11:66,515,893, C deleted. VCF-style (leftmost placement, unchanged base first): chr11-66515892-GC-G. GRCh37 (hg19) VCF-style: chr11-66283363-GC-G.
Other names: short protein forms A184fs.
Identifiers: ClinVar variation 5012376 (VCV005012376.1).
Genomic context (GRCh38, chr11:66,515,892, plus strand): 5'-CTGCAGATGCCAGTTCTCTGTGTGTCTAGGTTTCTGCAGCTGGAGCTAAGTGAAATGGAG[GC>G]ATTTGTAAACCAACACAAGTCCAACTCCATCAAGCGGCAGGTAATACCCCCTTCTCTTTT-3'